The following is an entry in ClinVar:

ClinVar aggregate classification (germline): Uncertain significance (1 of 4 stars; one submission).

Conditions:
Werner syndrome (WRN). Identifiers: Orphanet 902, MedGen C0043119, MONDO:0010196, OMIM 277700.

Submission:

Labcorp Genetics (formerly Invitae), Labcorp
Classification: Uncertain significance for Werner syndrome. Last evaluated: 2019-08-19. Review status: criteria provided, single submitter. Criteria: Invitae Variant Classification Sherloc (09022015). Collection method: clinical testing. Allele origin: germline.
Comment: This sequence change replaces glutamic acid with aspartic acid at codon 401 of the WRN protein (p.Glu401Asp). The glutamic acid residue is moderately conserved and there is a small physicochemical difference between glutamic acid and aspartic acid. In summary, the available evidence is currently insufficient to determine the role of this variant in disease. Therefore, it has been classified as a Variant of Uncertain Significance. Algorithms developed to predict the effect of missense changes on protein structure and function output the following: SIFT: "Tolerated"; PolyPhen-2: "Benign"; Align-GVGD: "Class C0". The aspartic acid amino acid residue is found in multiple mammalian species, suggesting that this missense change does not adversely affect protein function. These predictions have not been confirmed by published functional studies and their clinical significance is uncertain. This variant has not been reported in the literature in individuals with WRN-related conditions. This variant is not present in population databases (ExAC no frequency).

NM_000553.6(WRN):c.1203A>C (p.Glu401Asp)

Gene: WRN (WRN RecQ like helicase; plus strand). Cytogenetic location: 8p12.
Variant type: single nucleotide variant.
Coding change: c.1203A>C on transcript NM_000553.6 (MANE Select); coding-DNA position 1203, A replaced by C.
Protein change: p.Glu401Asp; replaces glutamic acid 401 with aspartic acid.
Molecular consequence: missense variant.
Genome position (GRCh38, 1-based): chr8:31,081,230, A>C. VCF-style: chr8-31081230-A-C. GRCh37 (hg19) VCF-style: chr8-30938746-A-C.
Other names: short protein forms E401D.
Identifiers: ClinVar variation 933343 (VCV000933343.5), dbSNP rs1813298966, ClinGen allele CA370921244.